The following is an entry in ClinVar:

ClinVar aggregate classification (germline): Uncertain significance (1 of 4 stars; one submission).

Conditions:
Singleton-Merten syndrome 1 (SGMRT1). Also called: Widened medullary cavities of bone, aortic calcification, abnormal dentition, and muscular weakness; Syndrome of widened medullary cavities of the metacarpals and phalanges, aortic calcification and abnormal dentition. Identifiers: Orphanet 85191, MedGen C4225427, MONDO:0024535, OMIM 182250.
Aicardi-Goutieres syndrome 7 (AGS7). Identifiers: Orphanet 51, MedGen C3888244, MONDO:0014367, OMIM 615846.

gnomAD v4.1: 2 of 1,611,478 alleles (0.00012%); highest among the groups gnomAD compares: African/African-American, 0.0013%; no homozygotes.

Submission:

Labcorp Genetics (formerly Invitae), Labcorp
Classification: Uncertain significance for Aicardi-Goutieres syndrome 7; Singleton-Merten syndrome 1. Last evaluated: 2024-10-10. Review status: criteria provided, single submitter. Criteria: Invitae Variant Classification Sherloc (09022015). Collection method: clinical testing. Allele origin: germline.
Comment: This sequence change replaces lysine, which is basic and polar, with arginine, which is basic and polar, at codon 358 of the IFIH1 protein (p.Lys358Arg). This variant is not present in population databases (gnomAD no frequency). This variant has not been reported in the literature in individuals affected with IFIH1-related conditions. Invitae Evidence Modeling of protein sequence and biophysical properties (such as structural, functional, and spatial information, amino acid conservation, physicochemical variation, residue mobility, and thermodynamic stability) has been performed for this missense variant. However, the output from this modeling did not meet the statistical confidence thresholds required to predict the impact of this variant on IFIH1 protein function. In summary, the available evidence is currently insufficient to determine the role of this variant in disease. Therefore, it has been classified as a Variant of Uncertain Significance.

NM_022168.4(IFIH1):c.1073A>G (p.Lys358Arg)

Gene: IFIH1 (interferon induced with helicase C domain 1; minus strand). Cytogenetic location: 2q24.2.
Variant type: single nucleotide variant.
Coding change: c.1073A>G on transcript NM_022168.4 (MANE Select); coding-DNA position 1073, A replaced by G.
Protein change: p.Lys358Arg; replaces lysine 358 with arginine.
Molecular consequence: missense variant.
Genome position (GRCh38, 1-based): chr2:162,288,157, T>C on the plus strand (A>G on the coding strand, the complement: IFIH1 is on the minus strand). VCF-style: chr2-162288157-T-C. GRCh37 (hg19) VCF-style: chr2-163144667-T-C.
Other names: short protein forms K358R.
Identifiers: ClinVar variation 3756490 (VCV003756490.2).
Genomic context (GRCh38, chr2:162,288,157, plus strand): 5'-TGAAAATGATCAACTAGTGTTATGTGTTCTTTGAATACCTTATTGACAAGAACTATAACT[T>C]TTCCAGGCTCAGATGCTTTTTTCTTCTTGTCTAAGTGATCCTTGGCAATGTAAACAGCCA-3'
Protein context (NP_071451.2, residues 348-368): DKKKKASEPG[Lys358Arg]VIVLVNKVLL